The following is an entry in ClinVar:

ClinVar aggregate classification (germline): Uncertain significance (1 of 4 stars; one submission).

Conditions:
Inborn genetic diseases. Identifiers: MedGen C0950123, MeSH D030342.

Allele frequency attached by ClinVar (database versions not stated): gnomAD exomes below 0.00001.
gnomAD v4.1: 2 of 1,548,994 alleles (0.00013%); highest among the groups gnomAD compares: Non-Finnish European, 0.00018%; no homozygotes.

Submission:

Ambry Genetics
Classification: Uncertain significance for Inborn genetic diseases. Last evaluated: 2021-12-23. Review status: criteria provided, single submitter. Criteria: Ambry Variant Classification Scheme 2023. Collection method: clinical testing. Allele origin: germline.
Comment: The p.K947Q variant (also known as c.2839A>C), located in coding exon 22 of the LRRK2 gene, results from an A to C substitution at nucleotide position 2839. The lysine at codon 947 is replaced by glutamine, an amino acid with similar properties. This amino acid position is conserved. In addition, this alteration is predicted to be tolerated by in silico analysis. Since supporting evidence is limited at this time, the clinical significance of this alteration remains unclear.

NM_198578.4(LRRK2):c.2839A>C (p.Lys947Gln)

Gene: LRRK2 (leucine rich repeat kinase 2; plus strand). Cytogenetic location: 12q12.
Variant type: single nucleotide variant.
Coding change: c.2839A>C on transcript NM_198578.4 (MANE Select); coding-DNA position 2839, A replaced by C.
Protein change: p.Lys947Gln; replaces lysine 947 with glutamine.
Molecular consequence: missense variant.
Genome position (GRCh38, 1-based): chr12:40,294,875, A>C. VCF-style: chr12-40294875-A-C. GRCh37 (hg19) VCF-style: chr12-40688677-A-C.
Other names: short protein forms K947Q.
Identifiers: ClinVar variation 1796681 (VCV001796681.2), dbSNP rs2499723475, ClinGen allele CA384412196.